The following is an entry in ClinVar:

NM_001256545.2(MEGF10):c.2677G>A (p.Val893Ile)

Gene: MEGF10 (multiple EGF like domains 10; plus strand). Cytogenetic location: 5q23.2.
Variant type: single nucleotide variant.
Coding change: c.2677G>A on transcript NM_001256545.2 (MANE Select); coding-DNA position 2677, G replaced by A.
Protein change: p.Val893Ile; replaces valine 893 with isoleucine.
Molecular consequence: missense variant.
Genome position (GRCh38, 1-based): chr5:127,445,642, G>A. VCF-style: chr5-127445642-G-A. GRCh37 (hg19) VCF-style: chr5-126781334-G-A.
Other names: c.2677G>A, p.Val893Ile (NM_032446.3); short protein forms V893I.
Identifiers: ClinVar variation 2088365 (VCV002088365.4), dbSNP rs1765917802, ClinGen allele CA360734914.
Genomic context (GRCh38, chr5:127,445,642, plus strand): 5'-CTGGCATTGTTCATTATTTATAGACACAAGCAGAAGGGAAAGGAATCAAGCATGCCAGCA[G>A]TTACCTACACCCCTGCTATGAGGGTCGTCAATGCAGATTATACCATTTCAGGTAAGAGCA-3'
Protein context (NP_001243474.1, residues 883-903): QKGKESSMPA[Val893Ile]TYTPAMRVVN

ClinVar aggregate classification (germline): Uncertain significance (1 of 4 stars; one submission).

Conditions:
MEGF10-related myopathy (CMYO10A). Also called: Congenital myopathy 10A, severe variant. Identifiers: Orphanet 439212, MedGen C3280679, MONDO:0013731, OMIM 614399.

Submission:

Labcorp Genetics (formerly Invitae), Labcorp
Classification: Uncertain significance for MEGF10-related myopathy. Last evaluated: 2022-06-04. Review status: criteria provided, single submitter. Criteria: Invitae Variant Classification Sherloc (09022015). Collection method: clinical testing. Allele origin: germline.
Comment: This sequence change replaces valine, which is neutral and non-polar, with isoleucine, which is neutral and non-polar, at codon 893 of the MEGF10 protein (p.Val893Ile). This variant is not present in population databases (gnomAD no frequency). This variant has not been reported in the literature in individuals affected with MEGF10-related conditions. Algorithms developed to predict the effect of missense changes on protein structure and function are either unavailable or do not agree on the potential impact of this missense change (SIFT: "Deleterious"; PolyPhen-2: "Probably Damaging"; Align-GVGD: "Class C0"). In summary, the available evidence is currently insufficient to determine the role of this variant in disease. Therefore, it has been classified as a Variant of Uncertain Significance.